The following is an entry in ClinVar:

NM_001145809.2(MYH14):c.5048A>T (p.Glu1683Val)

Gene: MYH14 (myosin heavy chain 14; plus strand). Cytogenetic location: 19q13.33.
Variant type: single nucleotide variant.
Coding change: c.5048A>T on transcript NM_001145809.2 (MANE Select); coding-DNA position 5048, A replaced by T.
Protein change: p.Glu1683Val; replaces glutamic acid 1683 with valine.
Molecular consequence: missense variant.
Genome position (GRCh38, 1-based): chr19:50,290,969, A>T. VCF-style: chr19-50290969-A-T. GRCh37 (hg19) VCF-style: chr19-50794226-A-T.
Other names: c.4949A>T, p.Glu1650Val (NM_001077186.2); c.4925A>T, p.Glu1642Val (NM_024729.4); short protein forms E1642V, E1650V, E1683V.
Identifiers: ClinVar variation 1049158 (VCV001049158.1), dbSNP rs2123450202, ClinGen allele CA406961877.

ClinVar aggregate classification (germline): Uncertain significance (0 of 4 stars; one submission).

Submission:

Department of Pathology and Laboratory Medicine, Sinai Health System
Classification: Uncertain significance. Review status: no assertion criteria provided. Collection method: clinical testing. Allele origin: unknown. Affected: yes. Study: The Canadian Open Genetics Repository (COGR).
Comment: The MYH14 p.Glu1642Val variant was not identified in the literature nor was it identified in dbSNP, ClinVar, LOVD 3.0 or in the following control databases: the 1000 Genomes Project, the NHLBI GO Exome Sequencing Project, or the Genome Aggregation Database (March 6, 2019, v2.1.1). The p.Glu1642 residue is conserved across mammals and other organisms computational analyses (PolyPhen-2, SIFT, AlignGVGD, BLOSUM, MutationTaster) suggest that the variant may impact the protein; however, this information is not predictive enough to assume pathogenicity. The variant occurs outside of the splicing consensus sequence and in silico or computational prediction software programs (SpliceSiteFinder, MaxEntScan, NNSPLICE, GeneSplicer) do not predict a difference in splicing. In summary, based on the above information the clinical significance of this variant cannot be determined with certainty at this time. This variant is classified as a variant of uncertain significance.